The following is an entry in ClinVar:

NM_007294.4(BRCA1):c.2736G>T (p.Lys912Asn)

Gene: BRCA1 (BRCA1 DNA repair associated; minus strand). Cytogenetic location: 17q21.31.
Variant type: single nucleotide variant.
Coding change: c.2736G>T on transcript NM_007294.4 (MANE Select); coding-DNA position 2736, G replaced by T.
Protein change: p.Lys912Asn; replaces lysine 912 with asparagine.
Molecular consequence: missense variant. On other transcripts: intron variant (137).
Genome position (GRCh38, 1-based): chr17:43,092,795, C>A on the plus strand (G>T on the coding strand, the complement: BRCA1 is on the minus strand). VCF-style: chr17-43092795-C-A. GRCh37 (hg19) VCF-style: chr17-41244812-C-A.
Other names: c.2595G>T, p.Lys865Asn (NM_001407851.1, NM_001407852.1, NM_001407942.1 and 29 more transcripts); c.2523G>T, p.Lys841Asn (NM_001407571.1, NM_001407853.1, NM_001407894.1 and 9 more transcripts); c.2736G>T, p.Lys912Asn (NM_001407854.1, NM_001407581.1, NM_001407858.1 and 30 more transcripts); c.2733G>T, p.Lys911Asn (NM_001407860.1, NM_001407861.1, NM_001407587.1 and 22 more transcripts); c.2535G>T, p.Lys845Asn (NM_001407862.1); c.2613G>T, p.Lys871Asn (NM_001407863.1, NM_001407919.1, NM_001407937.1 and 19 more transcripts); c.2532G>T, p.Lys844Asn (NM_001407874.1, NM_001407875.1); c.2526G>T, p.Lys842Asn (NM_001407879.1, NM_001407881.1, NM_001407882.1 and 13 more transcripts); and 41 more; short protein forms K912N, K865N, K785N, K800N, K885N, K801N, K841N, K844N.
Identifiers: ClinVar variation 627997 (VCV000627997.14), dbSNP rs1555589046, ClinGen allele CA10596518.

ClinVar aggregate classification (germline): Conflicting classifications of pathogenicity. Review status: criteria provided, conflicting classifications (1 of 4 stars). 3 submissions from 3 submitters: Uncertain significance (2); Likely benign (1). Last evaluated 2025-04-07.

Conditions:
Hereditary cancer-predisposing syndrome. Also called: Neoplastic Syndromes, Hereditary; Tumor predisposition; Hereditary neoplastic syndrome; Hereditary Cancer Syndrome. Identifiers: Orphanet 140162, MedGen C0027672, MeSH D009386, MONDO:0015356.
Hereditary breast ovarian cancer syndrome. Also called: Hereditary breast and ovarian cancer syndrome; Hereditary breast and ovarian cancer; Hereditary breast and ovarian cancer syndrome (HBOC); Breast and ovarian cancer; Hereditary breast and/or ovarian cancer syndrome; BRCA1- and BRCA2-Associated Hereditary Breast and Ovarian Cancer. Identifiers: Orphanet 145, MedGen C0677776, MeSH D061325, MONDO:0003582. Disease mechanism: loss of function.

Submissions (3):

Labcorp Genetics (formerly Invitae), Labcorp
Classification: Uncertain significance for Hereditary breast ovarian cancer syndrome. Last evaluated: 2025-04-07. Review status: criteria provided, single submitter. Criteria: Invitae Variant Classification Sherloc (09022015). Collection method: clinical testing. Allele origin: germline.
Comment: This sequence change replaces lysine, which is basic and polar, with asparagine, which is neutral and polar, at codon 912 of the BRCA1 protein (p.Lys912Asn). This variant is not present in population databases (gnomAD no frequency). This variant has not been reported in the literature in individuals affected with BRCA1-related conditions. ClinVar contains an entry for this variant (Variation ID: 627997). Invitae Evidence Modeling of protein sequence and biophysical properties (such as structural, functional, and spatial information, amino acid conservation, physicochemical variation, residue mobility, and thermodynamic stability) indicates that this missense variant is not expected to disrupt BRCA1 protein function with a negative predictive value of 80%. In summary, the available evidence is currently insufficient to determine the role of this variant in disease. Therefore, it has been classified as a Variant of Uncertain Significance.

University of Washington Department of Laboratory Medicine, University of Washington
Classification: Likely benign for Hereditary cancer-predisposing syndrome. Last evaluated: 2023-03-23. Review status: criteria provided, single submitter. Criteria: Dines et al. (Genet Med. 2020). Collection method: curation. Allele origin: germline.
Comment: Missense variant in a coldspot region where missense variants are very unlikely to be pathogenic (PMID:31911673).

BRCA1 coldspot (exon 11 using historical exon numbering). Reclassification based on statistical prior probability

Color Diagnostics, LLC DBA Color Health
Classification: Uncertain significance for Hereditary cancer-predisposing syndrome. Last evaluated: 2019-03-20. Review status: criteria provided, single submitter. Criteria: ACMG Guidelines, 2015. Collection method: clinical testing. Allele origin: germline.